The following is an entry in ClinVar:

ClinVar aggregate classification (germline): Conflicting classifications of pathogenicity. Review status: criteria provided, conflicting classifications (1 of 4 stars). 6 submissions from 6 submitters: Uncertain significance (3); Likely benign (2). 1 of the submissions does not count toward it. Last evaluated 2025-11-17.

Conditions:
TERT-related disorder. Also called: TERT-related disorders; TERT-related condition.
Acute myeloid leukemia (AML). Also called: Leukemia, acute myeloid, somatic; Leukemia, acute myelogenous, somatic; Acute myeloid leukemia, adult; AML adult; Acute non-lymphocytic leukemia; Acute granulocytic leukemia. Identifiers: Orphanet 519, MedGen C0023467, MeSH D015470, MONDO:0018874, OMIM 601626, HP:0004808. Disease mechanism: Constitutively activated FLT3.
Dyskeratosis congenita, autosomal dominant 2. Identifiers: MedGen C3151443, MONDO:0013521, OMIM 613989.
Aplastic anemia. Identifiers: Orphanet 182040, Orphanet 88, MedGen C0002874, MONDO:0015909, OMIM 609135, HP:0001915.
Pulmonary fibrosis and/or bone marrow failure, Telomere-related, 1. Also called: PULMONARY FIBROSIS AND/OR BONE MARROW FAILURE SYNDROME, TELOMERE-RELATED, 1. Identifiers: Orphanet 88, MedGen C3553617, MONDO:0013878, OMIM 614742.
Melanoma, cutaneous malignant, susceptibility to, 9. Also called: Cutaneous malignant melanoma 9. Identifiers: Orphanet 618, MedGen C3554574, MONDO:0014056, OMIM 615134.
Dyskeratosis congenita, autosomal dominant 1 (DKCA1). Also called: Dyskeratosis congenita Scoggins type. Identifiers: Orphanet 1775, MedGen C4551974, MONDO:0007485, OMIM 127550. Inheritance: Variable.
Interstitial lung disease 2 (ILD2). Also called: FIBROCYSTIC PULMONARY DYSPLASIA; FIBROSING ALVEOLITIS, CRYPTOGENIC; Familial idiopathic pulmonary fibrosis. Identifiers: Orphanet 2032, Orphanet 79126, MedGen C5561926, MONDO:0800497, OMIM 178500, MONDO:0800029.
Dyskeratosis congenita. Identifiers: Orphanet 1775, MedGen C0265965, MONDO:0015780.
Idiopathic Pulmonary Fibrosis. Also called: Idiopathic fibrosing alveolitis, chronic form; idiopathic fibrosing alveolitis. Identifiers: Orphanet 2032, MedGen C1800706, MeSH D054990, MONDO:0800504.

Allele frequency attached by ClinVar (database versions not stated): gnomAD 0.00002 and 0.00003; TOPMed 0.00005; gnomAD exomes 0.00011; ExAC 0.00012.
gnomAD v4.1: 25 of 1,587,516 alleles (0.0016%); highest among the groups gnomAD compares: East Asian, 0.041%; no homozygotes.

Submissions (6):

Labcorp Genetics (formerly Invitae), Labcorp
Classification: Likely benign for Dyskeratosis congenita, autosomal dominant 2; Idiopathic Pulmonary Fibrosis. Last evaluated: 2025-11-17. Review status: criteria provided, single submitter. Criteria: Invitae Variant Classification Sherloc (09022015). Collection method: clinical testing. Allele origin: germline.

Ambry Genetics
Classification: Likely benign for Dyskeratosis congenita. Last evaluated: 2025-04-28. Review status: criteria provided, single submitter. Criteria: Ambry Variant Classification Scheme 2023. Collection method: clinical testing. Allele origin: germline.

Blueprint Genetics
Classification: Uncertain significance. Last evaluated: 2024-09-18. Review status: criteria provided, single submitter. Criteria: ACMG Guidelines, 2015. Collection method: clinical testing. Allele origin: germline.

GeneDx
Classification: Uncertain significance. Last evaluated: 2024-04-16. Review status: criteria provided, single submitter. Criteria: GeneDx Variant Classification Process June 2021. Collection method: clinical testing. Allele origin: germline. Affected: yes.
Comment: In silico analysis indicates that this missense variant does not alter protein structure/function; Reported as n.1451G>C, observed in a bone marrow sample in an individual with acute myeloid leukemia (PMID: 23157242); This variant is associated with the following publications: (PMID: 26298771, 23157242)

Fulgent Genetics
Classification: Uncertain significance for Dyskeratosis congenita, autosomal dominant 1; Interstitial lung disease 2; Acute myeloid leukemia; Aplastic anemia; Dyskeratosis congenita, autosomal dominant 2; Pulmonary fibrosis and/or bone marrow failure, Telomere-related, 1; Melanoma, cutaneous malignant, susceptibility to, 9. Last evaluated: 2018-10-31. Review status: criteria provided, single submitter. Criteria: ACMG Guidelines, 2015. Collection method: clinical testing. Allele origin: unknown.

PreventionGenetics, part of Exact Sciences
Classification: Uncertain significance for TERT-related condition. Last evaluated: 2023-11-17. Review status: no assertion criteria provided. Collection method: clinical testing. Allele origin: germline. Not counted in ClinVar's aggregate classification.
Comment: The TERT c.1393G>C variant is predicted to result in the amino acid substitution p.Val465Leu. To our knowledge, this variant has not been reported in the literature. This variant is reported in 0.15% of alleles in individuals of East Asian descent in gnomAD. It has conflicting interpretations in ClinVar of likely benign and uncertain significance. Although we suspect that this variant may be benign, at this time, the clinical significance of this variant is uncertain due to the absence of conclusive functional and genetic evidence.

NM_198253.3(TERT):c.1393G>C (p.Val465Leu)

Gene: TERT (telomerase reverse transcriptase; minus strand). Cytogenetic location: 5p15.33.
Variant type: single nucleotide variant.
Coding change: c.1393G>C on transcript NM_198253.3 (MANE Select); coding-DNA position 1393, G replaced by C.
Protein change: p.Val465Leu; replaces valine 465 with leucine.
Molecular consequence: missense variant. On other transcripts: non-coding transcript variant (2).
Genome position (GRCh38, 1-based): chr5:1,293,493, C>G on the plus strand (G>C on the coding strand, the complement: TERT is on the minus strand). VCF-style: chr5-1293493-C-G. GRCh37 (hg19) VCF-style: chr5-1293608-C-G.
Other names: c.1393G>C, p.Val465Leu (NM_001193376.3); short protein forms V465L.
Identifiers: ClinVar variation 539202 (VCV000539202.19), dbSNP rs758110675, ClinGen allele CA3184848.
Genomic context (GRCh38, chr5:1,293,493, plus strand): 5'-GTTCGTTGTGCCTGGAGCCCCAGAGGCCTGGGGGCACCAGCCGGCGCAGGCAGGCCCGCA[C>G]GAAGCCGTACACCTGCCAGGGGCTGCTGTGCTGGCGGAGCAGCTGCACCAGGCGACGGGG-3'
Protein context (NP_937983.2, residues 455-475): HSSPWQVYGF[Val465Leu]RACLRRLVPP